The following is an entry in ClinVar:

NM_024570.4(RNASEH2B):c.524del (p.Val175fs)

Gene: RNASEH2B (ribonuclease H2 subunit B; plus strand). Cytogenetic location: 13q14.3.
Variant type: Deletion.
Coding change: c.524del on transcript NM_024570.4 (MANE Select); coding-DNA position 524, one base deleted (T; older notation c.524delT).
Protein change: p.Val175fs; shifts the reading frame from valine 175.
Molecular consequence: frameshift variant.
Genome position (GRCh38, 1-based): chr13:50,945,440, T deleted. VCF-style (leftmost placement, unchanged base first): chr13-50945439-GT-G. GRCh37 (hg19) VCF-style: chr13-51519575-GT-G.
Other names: c.524del, p.Val175fs (NM_001142279.2, NM_001411023.1); short protein forms V175fs.
Identifiers: ClinVar variation 5014395 (VCV005014395.1).

ClinVar aggregate classification (germline): Pathogenic (1 of 4 stars; one submission).

Conditions:
Aicardi-Goutieres syndrome 2. Identifiers: Orphanet 51, MedGen C3489724, MONDO:0012429, OMIM 610181.

Submission:

Myriad Genetics, Inc.
Classification: Pathogenic for Aicardi-Goutieres syndrome 2. Last evaluated: 2025-05-06. Review status: criteria provided, single submitter. Criteria: Myriad Autosomal Dominant, Autosomal Recessive and X-Linked Classification Criteria (2023). Collection method: clinical testing. Allele origin: unknown.
Comment: NM_024570.3(RNASEH2B):c.524delT(V175Gfs*4) is expected to be pathogenic in the context of Aicardi-Goutieres syndrome, RNASEH2B-related. This variant is predicted to lead to an abnormal or absent protein product due to the creation of a premature termination codon in RNASEH2B, a gene where loss-of-function variants are known to be pathogenic. Please note: this variant was assessed in the context of healthy population screening.